The following is an entry in ClinVar:

ClinVar aggregate classification (germline): Pathogenic. Review status: criteria provided, multiple submitters, no conflicts (2 of 4 stars). 2 submissions from 2 submitters: Pathogenic (2). Last evaluated 2024-01-14.

Conditions:
Pontocerebellar hypoplasia type 4 (PCH4). Also called: Pontocerebellar Hypoplasia Type 4 (PCH4). Identifiers: Orphanet 166063, MedGen C1856974, MONDO:0009166, OMIM 225753.
Pontocerebellar hypoplasia type 5 (PCH5). Also called: Pontocerebellar Hypoplasia Type 5 (PCH5). Identifiers: Orphanet 166068, MedGen C1857762, MONDO:0012438, OMIM 610204.
Methylmalonic aciduria and homocystinuria type cblD (MAHCD). Also called: METHYLMALONIC ACIDEMIA, cblH TYPE; Methylmalonic aciduria with homocystinuria cblD type. Identifiers: Orphanet 622, Orphanet 79283, MedGen C1848552, MONDO:0010185, OMIM 277410.

Submissions (2):

Labcorp Genetics (formerly Invitae), Labcorp
Classification: Pathogenic. Last evaluated: 2024-01-14. Review status: criteria provided, single submitter. Criteria: Invitae Variant Classification Sherloc (09022015). Collection method: clinical testing. Allele origin: germline.
Comment: This sequence change creates a premature translational stop signal (p.Pro318Glnfs*24) in the TSEN54 gene. It is expected to result in an absent or disrupted protein product. Loss-of-function variants in TSEN54 are known to be pathogenic (PMID: 18711368, 20952379). This variant is present in population databases (no rsID available, gnomAD 0.007%). This premature translational stop signal has been observed in individual(s) with pontocerebellar hypoplasia (PMID: 20952379). ClinVar contains an entry for this variant (Variation ID: 2445207). For these reasons, this variant has been classified as Pathogenic.

Equipe Genetique des Anomalies du Developpement, Université de Bourgogne
Classification: Pathogenic for Pontocerebellar hypoplasia type 5; Methylmalonic aciduria and homocystinuria type cblD; Pontocerebellar hypoplasia type 4. Last evaluated: 2019-09-04. Review status: criteria provided, single submitter. Criteria: ACMG Guidelines, 2015. Collection method: clinical testing. Allele origin: paternal. Inheritance: Autosomal recessive inheritance. Affected: yes.
Comment: This variant was observed in compound heterozygosity with variant c.919G>T

Literature cited by the submitters: PubMed 18711368 (cited by Labcorp Genetics (formerly Invitae), Labcorp); PubMed 20952379 (cited by Labcorp Genetics (formerly Invitae), Labcorp).

NM_207346.3(TSEN54):c.953del (p.Pro318fs)

Gene: TSEN54 (tRNA splicing endonuclease subunit 54; plus strand). Cytogenetic location: 17q25.1.
Variant type: Deletion.
Coding change: c.953del on transcript NM_207346.3 (MANE Select); coding-DNA position 953, one base deleted (C; older notation c.953delC).
Protein change: p.Pro318fs; shifts the reading frame from proline 318.
Molecular consequence: frameshift variant.
Genome position (GRCh38, 1-based): chr17:75,522,034, C deleted; the last of 4 consecutive C bases (chr17:75,522,031-75,522,034); deleting any one gives the same sequence. VCF-style (leftmost placement, unchanged base first): chr17-75522030-GC-G. GRCh37 (hg19) VCF-style: chr17-73518111-GC-G.
Other names: short protein forms P318fs.
Identifiers: ClinVar variation 2445207 (VCV002445207.4), dbSNP rs1266242324, ClinGen allele CA627594380.